The following is an entry in ClinVar:

ClinVar aggregate classification (germline): Uncertain significance (1 of 4 stars; one submission).

Conditions:
Mitochondrial DNA deletion syndrome with progressive myopathy. Also called: Progressive external ophthalmoplegia with mitochondrial DNA deletions, autosomal dominant 6; PROGRESSIVE EXTERNAL OPHTHALMOPLEGIA, AUTOSOMAL DOMINANT 6. Identifiers: Orphanet 352470, MedGen C3554599, MONDO:0014062, OMIM 615156.

Submission:

3billion
Classification: Uncertain significance for Mitochondrial DNA deletion syndrome with progressive myopathy. Last evaluated: 2025-07-21. Review status: criteria provided, single submitter. Criteria: ACMG Guidelines, 2015. Collection method: clinical testing. Allele origin: germline. Affected: yes.
Comment: The variant is not observed in the gnomAD v4.1.0 dataset. Predicted Consequence/Location: Missense variant In silico tool predictions suggest damaging effect of the variant on gene or gene product [REVEL: 0.76 (>=0.6, sensitivity 0.68 and specificity 0.92); 3Cnet: 0.05 (> 0.75, sensitivity 0.96 and precision 0.92)]. Different missense changes at the same codon have been reported as of uncertain significance (ClinVar ID: VCV002874693). Therefore, this variant is classified as VUS according to the recommendation of ACMG/AMP guideline.

NM_001080449.3(DNA2):c.1160T>G (p.Ile387Ser)

Gene: DNA2 (DNA replication helicase/nuclease 2; minus strand). Cytogenetic location: 10q21.3.
Variant type: single nucleotide variant.
Coding change: c.1160T>G on transcript NM_001080449.3 (MANE Select); coding-DNA position 1160, T replaced by G.
Protein change: p.Ile387Ser; replaces isoleucine 387 with serine.
Molecular consequence: missense variant. On other transcripts: non-coding transcript variant (1).
Genome position (GRCh38, 1-based): chr10:68,444,981, A>C on the plus strand (T>G on the coding strand, the complement: DNA2 is on the minus strand). VCF-style: chr10-68444981-A-C. GRCh37 (hg19) VCF-style: chr10-70204738-A-C.
Other names: short protein forms I387S.
Identifiers: ClinVar variation 4854731 (VCV004854731.1).